The following is an entry in ClinVar:

NM_000268.4(NF2):c.296A>C (p.Lys99Thr)

Gene: NF2 (NF2, moesin-ezrin-radixin like (MERLIN) tumor suppressor; plus strand). Cytogenetic location: 22q12.2.
Variant type: single nucleotide variant.
Coding change: c.296A>C on transcript NM_000268.4 (MANE Select); coding-DNA position 296, A replaced by C.
Protein change: p.Lys99Thr; replaces lysine 99 with threonine.
Molecular consequence: missense variant. On other transcripts: 5 prime UTR variant (1), intron variant (8).
Genome position (GRCh38, 1-based): chr22:29,639,145, A>C. VCF-style: chr22-29639145-A-C. GRCh37 (hg19) VCF-style: chr22-30035134-A-C.
Other names: c.182A>C, p.Lys61Thr (NM_001407053.1, NM_001407056.1); c.170A>C, p.Lys57Thr (NM_001407055.1, NM_181828.3); c.296A>C, p.Lys99Thr (NM_001407057.1, NM_001407059.1, NM_001407060.1 and 5 more transcripts); c.-345A>C (NM_001407065.1); c.65A>C, p.Lys22Thr (NM_001407067.1); c.240+2269A>C (NM_001407058.1, NM_181829.3, NM_001407054.1 and 1 more transcripts); c.115-3057A>C (NM_001407063.1, NM_181830.3, NM_001407064.1 and 1 more transcripts); short protein forms K61T, K22T, K99T, K57T.
Identifiers: ClinVar variation 4119213 (VCV004119213.1).

ClinVar aggregate classification (germline): Uncertain significance (1 of 4 stars; one submission).

Conditions:
Hereditary cancer-predisposing syndrome. Also called: Hereditary neoplastic syndrome; Neoplastic Syndromes, Hereditary; Tumor predisposition; Hereditary Cancer Syndrome. Identifiers: Orphanet 140162, MedGen C0027672, MeSH D009386, MONDO:0015356.

Submission:

Ambry Genetics
Classification: Uncertain significance for Hereditary cancer-predisposing syndrome. Last evaluated: 2025-07-18. Review status: criteria provided, single submitter. Criteria: Ambry Variant Classification Scheme 2023. Collection method: clinical testing. Allele origin: germline.
Comment: The p.K99T variant (also known as c.296A>C), located in coding exon 3 of the NF2 gene, results from an A to C substitution at nucleotide position 296. The lysine at codon 99 is replaced by threonine, an amino acid with similar properties. This amino acid position is conserved. In addition, this alteration is predicted to be deleterious by in silico analysis. Based on the available evidence, the clinical significance of this variant remains unclear.